The following is an entry in ClinVar:

NM_014000.3(VCL):c.1687G>A (p.Glu563Lys)

Gene: VCL (vinculin; plus strand). Cytogenetic location: 10q22.2.
Variant type: single nucleotide variant.
Coding change: c.1687G>A on transcript NM_014000.3 (MANE Select); coding-DNA position 1687, G replaced by A.
Protein change: p.Glu563Lys; replaces glutamic acid 563 with lysine.
Molecular consequence: missense variant.
Genome position (GRCh38, 1-based): chr10:74,095,799, G>A. VCF-style: chr10-74095799-G-A. GRCh37 (hg19) VCF-style: chr10-75855557-G-A.
Other names: c.1687G>A, p.Glu563Lys (NM_003373.4); short protein forms E563K.
Identifiers: ClinVar variation 2993782 (VCV002993782.4), dbSNP rs1477499984, ClinGen allele CA377275068.

ClinVar aggregate classification (germline): Uncertain significance. Review status: criteria provided, multiple submitters, no conflicts (2 of 4 stars). 2 submissions from 2 submitters: Uncertain significance (2). Last evaluated 2025-07-22.

Conditions:
Cardiovascular phenotype. Identifiers: MedGen CN230736.
Dilated cardiomyopathy 1W (CMD1W). Identifiers: Orphanet 154, MedGen C1969639, MONDO:0012667, OMIM 611407.

Allele frequency attached by ClinVar (database versions not stated): gnomAD 0.00001; TOPMed 0.00001.
gnomAD v4.1: 1 of 1,614,074 alleles (0.000062%); highest among the groups gnomAD compares: African/African-American, 0.0013%; no homozygotes.

Submissions (2):

Ambry Genetics
Classification: Uncertain significance for Cardiovascular phenotype. Last evaluated: 2025-07-22. Review status: criteria provided, single submitter. Criteria: Ambry Variant Classification Scheme 2023. Collection method: clinical testing. Allele origin: germline.
Comment: The p.E563K variant (also known as c.1687G>A), located in coding exon 12 of the VCL gene, results from a G to A substitution at nucleotide position 1687. The glutamic acid at codon 563 is replaced by lysine, an amino acid with similar properties. This amino acid position is conserved. In addition, the in silico prediction for this alteration is inconclusive. Based on the available evidence, the clinical significance of this variant remains unclear.

Labcorp Genetics (formerly Invitae), Labcorp
Classification: Uncertain significance for Dilated cardiomyopathy 1W. Last evaluated: 2023-12-29. Review status: criteria provided, single submitter. Criteria: Invitae Variant Classification Sherloc (09022015). Collection method: clinical testing. Allele origin: germline.
Comment: This sequence change replaces glutamic acid, which is acidic and polar, with lysine, which is basic and polar, at codon 563 of the VCL protein (p.Glu563Lys). This variant is not present in population databases (gnomAD no frequency). This variant has not been reported in the literature in individuals affected with VCL-related conditions. An algorithm developed to predict the effect of missense changes on protein structure and function (PolyPhen-2) suggests that this variant is likely to be disruptive. In summary, the available evidence is currently insufficient to determine the role of this variant in disease. Therefore, it has been classified as a Variant of Uncertain Significance.